The following is an entry in ClinVar:

NM_016356.5(DCDC2):c.378C>T (p.Asn126=)

Gene: DCDC2 (doublecortin domain containing 2; minus strand). Cytogenetic location: 6p22.3.
Variant type: single nucleotide variant.
Coding change: c.378C>T on transcript NM_016356.5 (MANE Select); coding-DNA position 378, C replaced by T.
Protein change: p.Asn126=; no amino-acid change (asparagine 126 retained).
Molecular consequence: synonymous variant.
Genome position (GRCh38, 1-based): chr6:24,302,015, G>A on the plus strand (C>T on the coding strand, the complement: DCDC2 is on the minus strand). VCF-style: chr6-24302015-G-A. GRCh37 (hg19) VCF-style: chr6-24302243-G-A.
Other names: c.378C>T, p.Asn126= (NM_001195610.2).
Identifiers: ClinVar variation 4978550 (VCV004978550.1).

ClinVar aggregate classification (germline): Likely benign (1 of 4 stars; one submission).

Conditions:
DCDC2-related disorder. Also called: DCDC2-related condition.

gnomAD v4.1: 7 of 1,613,894 alleles (0.00043%); highest among the groups gnomAD compares: African/African-American, 0.0013%; no homozygotes.

Submission:

PreventionGenetics, part of Exact Sciences
Classification: Likely benign for DCDC2-related condition. Last evaluated: 2025-07-08. Review status: criteria provided, single submitter. Criteria: ACMG Guidelines, 2015. Collection method: clinical testing. Allele origin: germline.
Comment: This variant is classified as likely benign based on ACMG/AMP sequence variant interpretation guidelines (Richards et al. 2015 PMID: 25741868, with internal and published modifications).